The following is an entry in ClinVar:

ClinVar aggregate classification (germline): Likely benign (1 of 4 stars; one submission).

Allele frequency attached by ClinVar (database versions not stated): gnomAD below 0.00001 and 0.00003; gnomAD exomes 0.00005 and 0.00006; ExAC 0.00007.
gnomAD v4.1: 86 of 1,613,642 alleles (0.0053%); highest among the groups gnomAD compares: South Asian, 0.088%; 2 homozygotes.

Submission:

GeneDx
Classification: Likely benign. Last evaluated: 2016-11-22. Review status: criteria provided, single submitter. Criteria: GeneDx Variant Classification (06012015). Collection method: clinical testing. Allele origin: germline. Affected: yes.
Comment: This variant is considered likely benign or benign based on one or more of the following criteria: it is a conservative change, it occurs at a poorly conserved position in the protein, it is predicted to be benign by multiple in silico algorithms, and/or has population frequency not consistent with disease.

NM_020117.11(LARS1):c.1923G>A (p.Lys641=)

Gene: LARS1 (leucyl-tRNA synthetase 1; minus strand). Cytogenetic location: 5q32.
Variant type: single nucleotide variant.
Coding change: c.1923G>A on transcript NM_020117.11 (MANE Select); coding-DNA position 1923, G replaced by A.
Protein change: p.Lys641=; no amino-acid change (lysine 641 retained).
Molecular consequence: synonymous variant.
Genome position (GRCh38, 1-based): chr5:146,143,039, C>T on the plus strand (G>A on the coding strand, the complement: LARS1 is on the minus strand). VCF-style: chr5-146143039-C-T. GRCh37 (hg19) VCF-style: chr5-145522602-C-T.
Other names: c.1785G>A, p.Lys595= (NM_001317964.2); c.1761G>A, p.Lys587= (NM_001317965.2); c.1842G>A, p.Lys614= (NM_016460.4).
Identifiers: ClinVar variation 390886 (VCV000390886.1), dbSNP rs781026136, ClinGen allele CA3489463.